The following is an entry in ClinVar:

ClinVar aggregate classification (germline): Uncertain significance (1 of 4 stars; one submission).

Conditions:
Glycogen storage disease IXd (GSD9D). Also called: Muscle Phosphorylase Kinase Deficiency; GSD IXd. Identifiers: Orphanet 715, MedGen C1845151, MONDO:0010362, OMIM 300559.

Allele frequency attached by ClinVar (database versions not stated): gnomAD exomes below 0.00001.
gnomAD v4.1: 1 of 1,204,439 alleles (0.000083%); highest among the groups gnomAD compares: South Asian, 0.0018%; no homozygotes.

Submission:

Labcorp Genetics (formerly Invitae), Labcorp
Classification: Uncertain significance for Glycogen storage disease IXd. Last evaluated: 2022-03-06. Review status: criteria provided, single submitter. Criteria: Invitae Variant Classification Sherloc (09022015). Collection method: clinical testing. Allele origin: germline.
Comment: In summary, the available evidence is currently insufficient to determine the role of this variant in disease. Therefore, it has been classified as a Variant of Uncertain Significance. Algorithms developed to predict the effect of missense changes on protein structure and function (SIFT, PolyPhen-2, Align-GVGD) all suggest that this variant is likely to be tolerated. This variant has not been reported in the literature in individuals affected with PHKA1-related conditions. This variant is not present in population databases (gnomAD no frequency). This sequence change replaces asparagine, which is neutral and polar, with serine, which is neutral and polar, at codon 795 of the PHKA1 protein (p.Asn795Ser).

NM_002637.4(PHKA1):c.2384A>G (p.Asn795Ser)

Gene: PHKA1 (phosphorylase kinase regulatory subunit alpha 1; minus strand). Cytogenetic location: Xq13.1.
Variant type: single nucleotide variant.
Coding change: c.2384A>G on transcript NM_002637.4 (MANE Select); coding-DNA position 2384, A replaced by G.
Protein change: p.Asn795Ser; replaces asparagine 795 with serine.
Molecular consequence: missense variant.
Genome position (GRCh38, 1-based): chrX:72,611,170, T>C on the plus strand (A>G on the coding strand, the complement: PHKA1 is on the minus strand). VCF-style: chrX-72611170-T-C. GRCh37 (hg19) VCF-style: chrX-71831020-T-C.
Other names: c.2384A>G, p.Asn795Ser (NM_001122670.2); c.2207A>G, p.Asn736Ser (NM_001172436.2); short protein forms N736S, N795S.
Identifiers: ClinVar variation 1973340 (VCV001973340.5), dbSNP rs2522445625, ClinGen allele CA413590289.